The following is an entry in ClinVar:

NM_000360.4(TH):c.1287A>C (p.Ser429=)

Gene: TH (tyrosine hydroxylase; minus strand). Cytogenetic location: 11p15.5.
Variant type: single nucleotide variant.
Coding change: c.1287A>C on transcript NM_000360.4 (MANE Select); coding-DNA position 1287, A replaced by C.
Protein change: p.Ser429=; no amino-acid change (serine 429 retained).
Molecular consequence: synonymous variant.
Genome position (GRCh38, 1-based): chr11:2,165,279, T>G on the plus strand (A>C on the coding strand, the complement: TH is on the minus strand). VCF-style: chr11-2165279-T-G. GRCh37 (hg19) VCF-style: chr11-2186509-T-G.
Other names: c.1380A>C, p.Ser460= (NM_199292.3); c.1368A>C, p.Ser456= (NM_199293.3).
Identifiers: ClinVar variation 727393 (VCV000727393.39), dbSNP rs1590165106, ClinGen allele CA472033802.

ClinVar aggregate classification (germline): Conflicting classifications of pathogenicity. Review status: criteria provided, conflicting classifications (1 of 4 stars). 3 submissions from 3 submitters: Uncertain significance (1); Likely benign (2). Last evaluated 2024-02-25.

Conditions:
TH-deficient dopa-responsive dystonia. Also called: Tyrosine Hydroxylase-Deficient Dopa-Responsive Dystonia; Segawa syndrome, autosomal recessive; DYT-TH. Identifiers: Orphanet 101150, MedGen C2673535, MONDO:0011551, OMIM 605407.

Allele frequency attached by ClinVar (database versions not stated): gnomAD exomes below 0.00001.
gnomAD v4.1: 4 of 1,612,912 alleles (0.00025%); highest among the groups gnomAD compares: Non-Finnish European, 0.00034%; no homozygotes.

Submissions (3):

Labcorp Genetics (formerly Invitae), Labcorp
Classification: Likely benign for TH-deficient dopa-responsive dystonia. Last evaluated: 2024-02-25. Review status: criteria provided, single submitter. Criteria: Invitae Variant Classification Sherloc (09022015). Collection method: clinical testing. Allele origin: germline.

CeGaT Center for Human Genetics Tuebingen
Classification: Likely benign. Last evaluated: 2023-10-01. Review status: criteria provided, single submitter. Criteria: CeGaT Center For Human Genetics Tuebingen Variant Classification Criteria Version 2. Collection method: clinical testing. Allele origin: germline. Affected: yes. Observed: 1 variant allele.
Comment: TH: PM2:Supporting, BP4, BP7

Illumina Laboratory Services, Illumina
Classification: Uncertain significance for TH-deficient dopa-responsive dystonia. Last evaluated: 2018-01-13. Review status: criteria provided, single submitter. Criteria: ICSL Variant Classification Criteria 13 December 2019. Collection method: clinical testing. Allele origin: germline.